The following is an entry in ClinVar:

ClinVar aggregate classification (germline): Conflicting classifications of pathogenicity. Review status: criteria provided, conflicting classifications (1 of 4 stars). 13 submissions from 9 submitters: Uncertain significance (4); Benign (3); Likely benign (6). Last evaluated 2026-01-27.

Conditions:
TTN-related disorder. Also called: TTN-related condition; TTN-related disease; TTN-related disorders.
Autosomal recessive limb-girdle muscular dystrophy type 2J (LGMDR10). Also called: Limb-girdle muscular dystrophy, type 2J; MUSCULAR DYSTROPHY, LIMB-GIRDLE, AUTOSOMAL RECESSIVE 10. Identifiers: Orphanet 140922, MedGen C1837342, MONDO:0012127, OMIM 608807.
Dilated cardiomyopathy 1G (CMD1G). Identifiers: Orphanet 154, MedGen C1858763, MONDO:0011400, OMIM 604145.
Early-onset myopathy with fatal cardiomyopathy (CMYO5). Also called: Salih Myopathy; CONGENITAL MYOPATHY 5 WITH CARDIOMYOPATHY. Identifiers: Orphanet 289377, MedGen C2673677, MONDO:0012714, OMIM 611705. Disease mechanism: loss of function.
Tibial muscular dystrophy (TMD). Also called: Tibial muscular dystrophy, tardive; UDD MYOPATHY; Udd Distal Myopathy – Tibial Muscular Dystrophy. Identifiers: Orphanet 609, MedGen C1838244, MONDO:0010870, OMIM 600334.
Myopathy, myofibrillar, 9, with early respiratory failure (MFM9). Also called: EDSTROM MYOPATHY; MYOPATHY, PROXIMAL, WITH EARLY RESPIRATORY MUSCLE INVOLVEMENT; Myopathy, distal, with early respiratory failure, autosomal dominant; Hereditary myopathy with early respiratory failure. Identifiers: Orphanet 178464, Orphanet 34521, MedGen C1863599, MONDO:0011362, OMIM 603689.

Allele frequency attached by ClinVar (database versions not stated): TOPMed 0.00009; gnomAD 0.00011; gnomAD exomes 0.00013 and 0.00020; ESP Exome Variant Server 0.00017; ExAC 0.00019.
gnomAD v4.1: 201 of 1,613,860 alleles (0.012%); highest among the groups gnomAD compares: Non-Finnish European, 0.013%; no homozygotes.

Submissions (13):

Labcorp Genetics (formerly Invitae), Labcorp
Classification: Likely benign for Dilated cardiomyopathy 1G; Autosomal recessive limb-girdle muscular dystrophy type 2J. Last evaluated: 2026-01-27. Review status: criteria provided, single submitter. Criteria: Invitae Variant Classification Sherloc (09022015). Collection method: clinical testing. Allele origin: germline.

Women's Health and Genetics/Laboratory Corporation of America, LabCorp
Classification: Likely benign. Last evaluated: 2026-01-26. Review status: criteria provided, single submitter. Criteria: LabCorp Variant Classification Summary - May 2015. Collection method: clinical testing. Allele origin: germline.

CeGaT Center for Human Genetics Tuebingen
Classification: Likely benign. Last evaluated: 2025-09-01. Review status: criteria provided, single submitter. Criteria: CeGaT Center For Human Genetics Tuebingen Variant Classification Criteria Version 2. Collection method: clinical testing. Allele origin: germline. Affected: yes. Observed: 7 variant alleles.
Comment: TTN: BP4, BP7

PreventionGenetics, part of Exact Sciences
Classification: Likely benign for TTN-related condition. Last evaluated: 2025-06-10. Review status: criteria provided, single submitter. Criteria: ACMG Guidelines, 2015. Collection method: clinical testing. Allele origin: germline.
Comment: This variant is classified as likely benign based on ACMG/AMP sequence variant interpretation guidelines (Richards et al. 2015 PMID: 25741868, with internal and published modifications).

Blueprint Genetics
Classification: Likely benign. Last evaluated: 2024-11-19. Review status: criteria provided, single submitter. Criteria: ACMG Guidelines, 2015. Collection method: clinical testing. Allele origin: germline.

GeneDx
Classification: Likely benign. Last evaluated: 2019-07-02. Review status: criteria provided, single submitter. Criteria: GeneDx Variant Classification Process June 2021. Collection method: clinical testing. Allele origin: germline. Affected: yes.

Athena Diagnostics
Classification: Benign. Last evaluated: 2018-05-18. Review status: criteria provided, single submitter. Criteria: Athena Diagnostics Criteria. Collection method: clinical testing. Allele origin: germline.

Illumina Laboratory Services, Illumina
Classification: Benign for Myopathy, myofibrillar, 9, with early respiratory failure. Last evaluated: 2018-01-13. Review status: criteria provided, single submitter. Criteria: ICSL Variant Classification Criteria 13 December 2019. Collection method: clinical testing. Allele origin: germline.
Comment: This variant was observed in the ICSL laboratory as part of a predisposition screen in an ostensibly healthy population. It had not been previously curated by ICSL or reported in the Human Gene Mutation Database (HGMD: prior to June 1st, 2018), and was therefore a candidate for classification through an automated scoring system. Utilizing variant allele frequency, disease prevalence and penetrance estimates, and inheritance mode, an automated score was calculated to assess if this variant is too frequent to cause the disease. Based on the score and internal cut-off values, a variant classified as benign is not then subjected to further curation. The score for this variant resulted in a classification of benign for this disease.

Illumina Laboratory Services, Illumina
Classification: Uncertain significance for Autosomal recessive limb-girdle muscular dystrophy type 2J. Last evaluated: 2018-01-13. Review status: criteria provided, single submitter. Criteria: ICSL Variant Classification Criteria 13 December 2019. Collection method: clinical testing. Allele origin: germline.

Illumina Laboratory Services, Illumina
Classification: Benign for Tibial muscular dystrophy. Last evaluated: 2018-01-13. Review status: criteria provided, single submitter. Criteria: ICSL Variant Classification Criteria 13 December 2019. Collection method: clinical testing. Allele origin: germline.
Comment: the same text as in the submission from Illumina Laboratory Services, Illumina above.

Illumina Laboratory Services, Illumina
Classification: Uncertain significance for Dilated cardiomyopathy 1G. Last evaluated: 2018-01-13. Review status: criteria provided, single submitter. Criteria: ICSL Variant Classification Criteria 13 December 2019. Collection method: clinical testing. Allele origin: germline.

Illumina Laboratory Services, Illumina
Classification: Uncertain significance for Early-onset myopathy with fatal cardiomyopathy. Last evaluated: 2018-01-13. Review status: criteria provided, single submitter. Criteria: ICSL Variant Classification Criteria 13 December 2019. Collection method: clinical testing. Allele origin: germline.

Eurofins Ntd Llc (ga)
Classification: Uncertain significance. Last evaluated: 2017-04-13. Review status: criteria provided, single submitter. Criteria: EGL Classification Definitions 2015. Collection method: clinical testing. Allele origin: germline. Observed: 3 variant alleles, 3 heterozygotes.

NM_001267550.2(TTN):c.16716A>G (p.Pro5572=)

Gene: TTN (titin; minus strand). Cytogenetic location: 2q31.2.
Variant type: single nucleotide variant.
Coding change: c.16716A>G on transcript NM_001267550.2 (MANE Select); coding-DNA position 16716, A replaced by G.
Protein change: p.Pro5572=; no amino-acid change (proline 5572 retained).
Molecular consequence: synonymous variant. On other transcripts: intron variant (3).
Genome position (GRCh38, 1-based): chr2:178,732,253, T>C on the plus strand (A>G on the coding strand, the complement: TTN is on the minus strand). VCF-style: chr2-178732253-T-C. GRCh37 (hg19) VCF-style: chr2-179596980-T-C.
Other names: c.16716A>G (LRG_391t1); c.15765A>G, p.Pro5255= (NM_001256850.1); c.12984A>G, p.Pro4328= (NM_133378.4); c.13282+5829A>G (NM_003319.4); c.13858+5829A>G (NM_133437.4); c.13657+5829A>G (NM_133432.3).
Identifiers: ClinVar variation 197976 (VCV000197976.52), dbSNP rs367821526, ClinGen allele CA246404.